The following is an entry in ClinVar:

ClinVar aggregate classification (germline): Pathogenic/Likely pathogenic. Review status: criteria provided, multiple submitters, no conflicts (2 of 4 stars). 5 submissions from 5 submitters: Pathogenic (1); Likely pathogenic (2). 2 of the submissions do not count toward it. Last evaluated 2025-03-07.

Conditions:
TMEM127-related disorder. Also called: TMEM127-related condition.
PHEOCHROMOCYTOMA/PARAGANGLIOMA SYNDROME 8 (PPGL8). Identifiers: MedGen CN382246, OMIM 621687.
Hereditary pheochromocytoma and paraganglioma. Also called: Hereditary paragangliomas and pheochromocytomas; Hereditary pheochromocytoma-paraganglioma; Hereditary Paraganglioma-Pheochromocytoma Syndromes. Identifiers: Orphanet 29072, MedGen C4274332, MONDO:0017366.
Pheochromocytoma. Also called: MAX-Related Hereditary Paraganglioma-Pheochromocytoma Syndrome. Identifiers: Orphanet 29072, MedGen C0031511, MONDO:0008233, OMIM 171300, HP:0002666.

Submissions (5):

GeneDx
Classification: Likely pathogenic. Last evaluated: 2025-03-07. Review status: criteria provided, single submitter. Criteria: GeneDx Variant Classification Process June 2021. Collection method: clinical testing. Allele origin: germline. Affected: yes.
Comment: Not observed at significant frequency in large population cohorts (gnomAD); This variant is associated with the following publications: (PMID: 25525159, 20154675, 21156949)

Labcorp Genetics (formerly Invitae), Labcorp
Classification: Pathogenic for Hereditary pheochromocytoma and paraganglioma. Last evaluated: 2025-01-15. Review status: criteria provided, single submitter. Criteria: Invitae Variant Classification Sherloc (09022015). Collection method: clinical testing. Allele origin: germline.
Comment: This sequence change affects an acceptor splice site in intron 2 of the TMEM127 gene. RNA analysis indicates that disruption of this splice site induces altered splicing and may result in an absent or altered protein product. This variant is not present in population databases (gnomAD no frequency). Disruption of this splice site has been observed in individual(s) with pheochromocytomas (PMID: 20154675). This variant is also known as IVS2-1G>T. ClinVar contains an entry for this variant (Variation ID: 109). Studies have shown that disruption of this splice site results in activation of a cryptic splice site , and produces a non-functional protein and/or introduces a premature termination codon (internal data). For these reasons, this variant has been classified as Pathogenic.

Blueprint Genetics
Classification: Likely pathogenic for TMEM127-related disorders. Last evaluated: 2023-04-04. Review status: criteria provided, single submitter. Criteria: ACMG Guidelines, 2015. Collection method: clinical testing. Allele origin: germline. Affected: yes. Observed: 1 variant allele.

OMIM
Classification: Pathogenic for PHEOCHROMOCYTOMA/PARAGANGLIOMA SYNDROME 8. Last evaluated: 2010-03-01. Review status: no assertion criteria provided. Collection method: literature only. Allele origin: germline. Not counted in ClinVar's aggregate classification.

Familial Cancer Clinic, Veneto Institute of Oncology
Classification: Likely pathogenic for Pheochromocytoma. Review status: no assertion criteria provided. Collection method: not provided. Allele origin: germline. Not counted in ClinVar's aggregate classification.
ClinVar note: Converted during submission from likely pathogenic - adrenal pheochromocytoma to Likely pathogenic.

Literature cited by the submitters: PubMed 20154675 (cited by Labcorp Genetics (formerly Invitae), Labcorp and OMIM).

NM_017849.4(TMEM127):c.245-1G>T

Gene: TMEM127 (transmembrane protein 127; minus strand). Cytogenetic location: 2q11.2.
Variant type: single nucleotide variant.
Coding change: c.245-1G>T on transcript NM_017849.4 (MANE Select); the canonical splice acceptor site of the intron before coding-DNA position 245, G replaced by T.
Molecular consequence: splice acceptor variant.
Genome position (GRCh38, 1-based): chr2:96,254,998, C>A on the plus strand (G>T on the coding strand, the complement: TMEM127 is on the minus strand). VCF-style: chr2-96254998-C-A. GRCh37 (hg19) VCF-style: chr2-96920736-C-A.
Other names: IVS2-1G>T(p.F83fs); IVS2AS, G-T, -1; c.-8-1G>T (NM_001407283.1, NM_001407282.1); c.245-1G>T (NM_001193304.3).
Identifiers: ClinVar variation 109 (VCV000000109.10), dbSNP rs121908821, ClinGen allele CA113858.
Genomic context (GRCh38, chr2:96,254,998, plus strand): 5'-GGAAACAGAAGGCGGCGATGACCCGCAGGAGCAGCACTGTCTGGGGATTCATGCAGAAAT[C>A]TGTAGAGGGAGAACCAAATTTTCACGGCCCCAAGTAACACTTGGTGCAGGAAGTCCCCAC-3'